The following is an entry in ClinVar:

NM_000252.3(MTM1):c.1011G>A (p.Trp337Ter)

Gene: MTM1 (myotubularin 1; plus strand). Cytogenetic location: Xq28.
Variant type: single nucleotide variant.
Coding change: c.1011G>A on transcript NM_000252.3 (MANE Select); coding-DNA position 1011, G replaced by A.
Protein change: p.Trp337Ter; replaces tryptophan 337 with a stop codon.
Molecular consequence: nonsense.
Genome position (GRCh38, 1-based): chrX:150,649,859, G>A. VCF-style: chrX-150649859-G-A. GRCh37 (hg19) VCF-style: chrX-149818332-G-A.
Other names: c.1011G>A, p.Trp337Ter (NM_001376906.1, NM_001376908.1); c.900G>A, p.Trp300Ter (NM_001376907.1); short protein forms W300*, W337*.
Identifiers: ClinVar variation 1723932 (VCV001723932.2), dbSNP rs2522399879, ClinGen allele CA415257235.

ClinVar aggregate classification (germline): Likely pathogenic (1 of 4 stars; one submission).

Conditions:
Severe X-linked myotubular myopathy (CNMX). Also called: MYOTUBULAR MYOPATHY 1; Myotubular myopathy, X-linked; X-linked centronuclear myopathy. Identifiers: Orphanet 596, MedGen C0410203, MONDO:0010683, OMIM 310400.

Submission:

Myriad Genetics, Inc.
Classification: Likely pathogenic for Severe X-linked myotubular myopathy. Last evaluated: 2022-01-11. Review status: criteria provided, single submitter. Criteria: Myriad Women's Health Autosomal Recessive and X-Linked Classification Criteria (2021). Collection method: clinical testing. Allele origin: unknown.
Comment: NM_000252.2(MTM1):c.1011G>A(W337*) is expected to be pathogenic in the context of X-linked myotubular myopathy. This variant is predicted to lead to an abnormal or absent protein product due to the creation of a premature termination codon in MTM1, a gene where loss-of-function variants are known to be pathogenic. Please note: this variant was assessed in the context of healthy population screening.